The following is an entry in ClinVar:

NM_001024613.4(FEZF1):c.1323G>A (p.Pro441=)

Gene: FEZF1 (FEZ family zinc finger 1; minus strand). Cytogenetic location: 7q31.32.
Variant type: single nucleotide variant.
Coding change: c.1323G>A on transcript NM_001024613.4 (MANE Select); coding-DNA position 1323, G replaced by A.
Protein change: p.Pro441=; no amino-acid change (proline 441 retained).
Molecular consequence: synonymous variant.
Genome position (GRCh38, 1-based): chr7:122,302,102, C>T on the plus strand (G>A on the coding strand, the complement: FEZF1 is on the minus strand). VCF-style: chr7-122302102-C-T. GRCh37 (hg19) VCF-style: chr7-121942156-C-T.
Other names: c.1173G>A, p.Pro391= (NM_001160264.3).
Identifiers: ClinVar variation 2415775 (VCV002415775.10), dbSNP rs775695735, ClinGen allele CA4458810.

ClinVar aggregate classification (germline): Likely benign. Review status: criteria provided, multiple submitters, no conflicts (2 of 4 stars). 3 submissions from 3 submitters: Likely benign (2). 1 of the submissions does not count toward it. Last evaluated 2024-01-22.

Conditions:
FEZF1-related disorder. Also called: FEZF1-related condition.

Allele frequency attached by ClinVar (database versions not stated): ExAC 0.00001; gnomAD 0.00002; 1000 Genomes Project 30x 0.00016.

Submissions (3):

Blueprint Genetics
Classification: Likely benign. Last evaluated: 2024-01-22. Review status: criteria provided, single submitter. Criteria: ACMG Guidelines, 2015. Collection method: clinical testing. Allele origin: germline.

Labcorp Genetics (formerly Invitae), Labcorp
Classification: Likely benign. Last evaluated: 2023-03-22. Review status: criteria provided, single submitter. Criteria: Invitae Variant Classification Sherloc (09022015). Collection method: clinical testing. Allele origin: germline.

PreventionGenetics, part of Exact Sciences
Classification: Likely benign for FEZF1-related condition. Last evaluated: 2019-05-30. Review status: no assertion criteria provided. Collection method: clinical testing. Allele origin: germline. Not counted in ClinVar's aggregate classification.
Comment: This variant is classified as likely benign based on ACMG/AMP sequence variant interpretation guidelines (Richards et al. 2015 PMID: 25741868, with internal and published modifications).